The following is an entry in ClinVar:

ClinVar aggregate classification (germline): Conflicting classifications of pathogenicity. Review status: criteria provided, conflicting classifications (1 of 4 stars). 2 submissions from 2 submitters: Uncertain significance (1); Likely benign (1). Last evaluated 2025-04-18.

Conditions:
Hereditary breast ovarian cancer syndrome. Also called: Hereditary breast and ovarian cancer syndrome; Breast and ovarian cancer; Hereditary breast and/or ovarian cancer syndrome; Hereditary breast and ovarian cancer; BRCA1- and BRCA2-Associated Hereditary Breast and Ovarian Cancer; Hereditary breast and ovarian cancer syndrome (HBOC). Identifiers: Orphanet 145, MedGen C0677776, MeSH D061325, MONDO:0003582. Disease mechanism: loss of function.
Hereditary cancer-predisposing syndrome. Also called: Tumor predisposition; Neoplastic Syndromes, Hereditary; Hereditary neoplastic syndrome; Hereditary Cancer Syndrome. Identifiers: Orphanet 140162, MedGen C0027672, MeSH D009386, MONDO:0015356.

Submissions (2):

Ambry Genetics
Classification: Likely benign for Hereditary cancer-predisposing syndrome. Last evaluated: 2025-04-18. Review status: criteria provided, single submitter. Criteria: Ambry Variant Classification Scheme 2023. Collection method: clinical testing. Allele origin: germline.

Labcorp Genetics (formerly Invitae), Labcorp
Classification: Uncertain significance for Hereditary breast ovarian cancer syndrome. Last evaluated: 2025-02-10. Review status: criteria provided, single submitter. Criteria: Invitae Variant Classification Sherloc (09022015). Collection method: clinical testing. Allele origin: germline.
Comment: This sequence change replaces aspartic acid, which is acidic and polar, with glutamic acid, which is acidic and polar, at codon 2489 of the BRCA2 protein (p.Asp2489Glu). This variant is not present in population databases (gnomAD no frequency). This variant has not been reported in the literature in individuals affected with BRCA2-related conditions. ClinVar contains an entry for this variant (Variation ID: 848637). Invitae Evidence Modeling of protein sequence and biophysical properties (such as structural, functional, and spatial information, amino acid conservation, physicochemical variation, residue mobility, and thermodynamic stability) indicates that this missense variant is not expected to disrupt BRCA2 protein function with a negative predictive value of 95%. In summary, the available evidence is currently insufficient to determine the role of this variant in disease. Therefore, it has been classified as a Variant of Uncertain Significance.

NM_000059.4(BRCA2):c.7467T>G (p.Asp2489Glu)

Gene: BRCA2 (BRCA2 DNA repair associated; plus strand). Cytogenetic location: 13q13.1.
Variant type: single nucleotide variant.
Coding change: c.7467T>G on transcript NM_000059.4 (MANE Select); coding-DNA position 7467, T replaced by G.
Protein change: p.Asp2489Glu; replaces aspartic acid 2489 with glutamic acid.
Molecular consequence: missense variant.
Genome position (GRCh38, 1-based): chr13:32,356,459, T>G. VCF-style: chr13-32356459-T-G. GRCh37 (hg19) VCF-style: chr13-32930596-T-G.
Other names: short protein forms D2489E.
Identifiers: ClinVar variation 848637 (VCV000848637.12), dbSNP rs1212282286, ClinGen allele CA387743191.
Genomic context (GRCh38, chr13:32,356,459, plus strand): 5'-ATTTTTGCTAAGTATTTATTCTTTGATAGATTTAATTACAAGTCTTCAGAATGCCAGAGA[T>G]ATACAGGATATGCGAATTAAGAAGAAACAAAGGCAACGCGTCTTTCCACAGCCAGGCAGT-3'
Protein context (NP_000050.3, residues 2479-2499): DLITSLQNAR[Asp2489Glu]IQDMRIKKKQ